The following is an entry in ClinVar:

ClinVar aggregate classification (germline): Likely benign (1 of 4 stars; one submission).

Conditions:
PLXNA3-related disorder. Also called: PLXNA3-related condition.

gnomAD v4.1: 9 of 1,211,111 alleles (0.00074%); highest among the groups gnomAD compares: African/African-American, 0.01%; no homozygotes.

Submission:

PreventionGenetics, part of Exact Sciences
Classification: Likely benign for PLXNA3-related condition. Last evaluated: 2026-09-15. Review status: criteria provided, single submitter. Criteria: ACMG Guidelines, 2015. Collection method: clinical testing. Allele origin: germline.
Comment: This variant is classified as likely benign based on ACMG/AMP sequence variant interpretation guidelines (Richards et al. 2015 PMID: 25741868, with internal and published modifications).

NM_017514.5(PLXNA3):c.687C>G (p.Gly229=)

Gene: PLXNA3 (plexin A3; plus strand). Cytogenetic location: Xq28.
Variant type: single nucleotide variant.
Coding change: c.687C>G on transcript NM_017514.5 (MANE Select); coding-DNA position 687, C replaced by G.
Protein change: p.Gly229=; no amino-acid change (glycine 229 retained).
Molecular consequence: synonymous variant.
Genome position (GRCh38, 1-based): chrX:154,461,191, C>G. VCF-style: chrX-154461191-C-G. GRCh37 (hg19) VCF-style: chrX-153689531-C-G.
Identifiers: ClinVar variation 4987262 (VCV004987262.1).
Genomic context (GRCh38, chrX:154,461,191, plus strand): 5'-CAAGATCCCCTCAGACACGCTGTCCTTGTACCCTGCCTTTGACATCTACTACATCTACGG[C>G]TTCGTCAGCGCCTCCTTCGTGTACTTCCTGACGCTGCAGCTGGACACCCAGCAGACGCTG-3'
Protein context (NP_059984.3, residues 219-239): YPAFDIYYIY[Gly229=]FVSASFVYFL